The following is an entry in ClinVar:

Conditions:
Breast-ovarian cancer, familial, susceptibility to, 1 (BROVCA1). Also called: BRCA1 Hereditary Breast and Ovarian Cancer; OVARIAN CANCER, SUSCEPTIBILITY TO. Identifiers: Orphanet 145, MedGen C2676676, MONDO:0011450, OMIM 604370. Disease mechanism: loss of function.

Submission:

Brotman Baty Institute, University of Washington
No classification provided (evidence only). Condition: Breast-ovarian cancer, familial 1. Review status: no classification provided. Collection method: in vitro. Allele origin: not applicable. Functional consequence: functionally_normal.
ClinVar note: "not provided" was previously submitted as the classification for the variant. However, the classification appeared to be based only on an observation of functional data so it was converted to no classification on 2025-07-30.

NM_007294.4(BRCA1):c.5278-16T>A

Gene: BRCA1 (BRCA1 DNA repair associated; minus strand). Cytogenetic location: 17q21.31.
Variant type: single nucleotide variant.
Coding change: c.5278-16T>A on transcript NM_007294.4 (MANE Select); 16 bases into the intron before coding-DNA position 5278, T replaced by A.
Molecular consequence: intron variant.
Genome position (GRCh38, 1-based): chr17:43,051,133, A>T on the plus strand (T>A on the coding strand, the complement: BRCA1 is on the minus strand). VCF-style: chr17-43051133-A-T. GRCh37 (hg19) VCF-style: chr17-41203150-A-T.
Other names: c.1825-16T>A (NM_001408458.1, NM_001408461.1, NM_001408464.1 and 7 more transcripts); c.4387-16T>A (NM_001407967.1); c.4897-16T>A (NM_001407959.1); c.5011-16T>A (NM_001407931.1, NM_001407932.1, NM_001407928.1 and 4 more transcripts); c.5134-16T>A (NM_001407747.1, NM_001407745.1, NM_001407737.1 and 21 more transcripts); c.4894-16T>A (NM_001407962.1, NM_001407960.1); c.1465-16T>A (NM_001408512.1); c.1588-16T>A (NM_001408510.1); and 74 more.
Identifiers: ClinVar variation 867323 (VCV000867323.3), dbSNP rs1555575747, ClinGen allele CA916081084.